The following is an entry in ClinVar:

NM_004104.5(FASN):c.1492+6C>T

Gene: FASN (fatty acid synthase; minus strand). Cytogenetic location: 17q25.3.
Variant type: single nucleotide variant.
Coding change: c.1492+6C>T on transcript NM_004104.5 (MANE Select); 6 bases into the intron after coding-DNA position 1492, C replaced by T.
Molecular consequence: intron variant.
Genome position (GRCh38, 1-based): chr17:82,091,216, G>A on the plus strand (C>T on the coding strand, the complement: FASN is on the minus strand). VCF-style: chr17-82091216-G-A. GRCh37 (hg19) VCF-style: chr17-80049092-G-A.
Identifiers: ClinVar variation 1414850 (VCV001414850.6), dbSNP rs762295115, ClinGen allele CA8853152.

ClinVar aggregate classification (germline): Uncertain significance (1 of 4 stars; one submission).

Conditions:
Epileptic encephalopathy. Identifiers: MedGen C0543888, HP:0200134.

Allele frequency attached by ClinVar (database versions not stated): ExAC 0.00001; gnomAD exomes 0.00001; gnomAD 0.00002.
gnomAD v4.1: 20 of 1,600,018 alleles (0.0012%); highest among the groups gnomAD compares: Non-Finnish European, 0.0016%; no homozygotes.

Submission:

Labcorp Genetics (formerly Invitae), Labcorp
Classification: Uncertain significance for Epileptic encephalopathy. Last evaluated: 2025-03-23. Review status: criteria provided, single submitter. Criteria: Invitae Variant Classification Sherloc (09022015). Collection method: clinical testing. Allele origin: germline.
Comment: This sequence change falls in intron 9 of the FASN gene. It does not directly change the encoded amino acid sequence of the FASN protein. It affects a nucleotide within the consensus splice site. The frequency data for this variant in the population databases is considered unreliable, as metrics indicate poor data quality at this position in the gnomAD database. This variant has not been reported in the literature in individuals affected with FASN-related conditions. ClinVar contains an entry for this variant (Variation ID: 1414850). Variants that disrupt the consensus splice site are a relatively common cause of aberrant splicing (PMID: 17576681, 9536098). Algorithms developed to predict the effect of sequence changes on RNA splicing suggest that this variant is not likely to affect RNA splicing. In summary, the available evidence is currently insufficient to determine the role of this variant in disease. Therefore, it has been classified as a Variant of Uncertain Significance.

Literature cited by the submitters: PubMed 17576681; PubMed 9536098.